The following is an entry in ClinVar:

NM_001146079.2(CLDN14):c.385G>A (p.Gly129Ser)

Genes: CLDN14 (claudin 14; minus strand), CLDN14-AS1 (CLDN14 antisense RNA 1; plus strand). Cytogenetic location: 21q22.13.
Variant type: single nucleotide variant.
Coding change: c.385G>A on transcript NM_001146079.2 (MANE Select); coding-DNA position 385, G replaced by A.
Protein change: p.Gly129Ser; replaces glycine 129 with serine.
Molecular consequence: missense variant.
Genome position (GRCh38, 1-based): chr21:36,461,311, C>T on the plus strand (G>A on the coding strand, the complement: CLDN14 is on the minus strand). VCF-style: chr21-36461311-C-T. GRCh37 (hg19) VCF-style: chr21-37833609-C-T.
Other names: c.385G>A (NM_001146077.1); c.385G>A, p.Gly129Ser (NM_001146077.2, NM_001146078.3, NM_012130.4 and 1 more transcripts); short protein forms G129S.
Identifiers: ClinVar variation 3493364 (VCV003493364.2).

ClinVar aggregate classification (germline): Uncertain significance. Review status: criteria provided, multiple submitters, no conflicts (2 of 4 stars). 2 submissions from 2 submitters: Uncertain significance (2). Last evaluated 2025-09-17.

Conditions:
CLDN14-related disorder. Also called: CLDN14-related condition.
Inborn genetic diseases. Identifiers: MedGen C0950123, MeSH D030342.

Submissions (2):

PreventionGenetics, part of Exact Sciences
Classification: Uncertain significance for CLDN14-related condition. Last evaluated: 2025-09-17. Review status: criteria provided, single submitter. Criteria: ACMG Guidelines, 2015. Collection method: clinical testing. Allele origin: germline.
Comment: The CLDN14 c.385G>A variant is predicted to result in the amino acid substitution p.Gly129Ser. To our knowledge, this variant has not been reported in the literature. This variant is reported in 0.014% of alleles in individuals of Latino descent in gnomAD. At this time, the clinical significance of this variant is uncertain due to the absence of conclusive functional and genetic evidence.

Ambry Genetics
Classification: Uncertain significance for Inborn genetic diseases. Last evaluated: 2024-11-10. Review status: criteria provided, single submitter. Criteria: Ambry Variant Classification Scheme 2023. Collection method: clinical testing. Allele origin: germline.